The following is an entry in ClinVar:

ClinVar aggregate classification (germline): Pathogenic (1 of 4 stars; one submission).

Conditions:
Cardiovascular phenotype. Identifiers: MedGen CN230736.

Submission:

Ambry Genetics
Classification: Pathogenic for Cardiovascular phenotype. Last evaluated: 2015-05-13. Review status: criteria provided, single submitter. Criteria: Ambry Variant Classification Scheme 2023. Collection method: clinical testing. Allele origin: germline.
Comment: The c.133_148del16 pathogenic mutation, located in coding exon 2 of the ACVRL1 gene, results from a deletion of 16 nucleotides between nucleotide positions 133 and 148, causing a translational frameshift with a predicted alternate stop codon. Since frameshifts are typically deleterious in nature, this alteration is interpreted as a disease-causing mutation (ACMG Recommendations for Standards for Interpretation and Reporting of Sequence Variations. Revision 2007. Genet Med. 2008;10:294).

NM_000020.3(ACVRL1):c.133_148del (p.Thr45fs)

Gene: ACVRL1 (activin A receptor like type 1; plus strand). Cytogenetic location: 12q13.13.
Variant type: Deletion.
Coding change: c.133_148del on transcript NM_000020.3 (MANE Select); coding-DNA positions 133 to 148, 16 bases deleted (ACCTGCCGGGGGGCCT).
Protein change: p.Thr45fs; shifts the reading frame from threonine 45.
Molecular consequence: frameshift variant.
Genome position (GRCh38, 1-based): chr12:51,913,170-51,913,185, ACCTGCCGGGGGGCCT deleted; deleting any 16 consecutive bases within chr12:51,913,163-51,913,185 gives the same sequence; the c. name uses the placement nearest the transcript's 3' end. VCF-style (leftmost placement, unchanged base first): chr12-51913162-AGGGGCCTACCTGCCGG-A. GRCh37 (hg19) VCF-style: chr12-52306946-AGGGGCCTACCTGCCGG-A.
Other names: c.133_148del, p.Thr45fs (NM_001077401.2); c.133_148del16, p.Thr45Glyfs (NM_001406487.1, NM_001406488.1, NM_001406489.1 and 5 more transcripts); short protein forms T45fs.
Identifiers: ClinVar variation 1770127 (VCV001770127.2), dbSNP rs2540158384, ClinGen allele CA2580086428.